The following is an entry in ClinVar:

ClinVar aggregate classification (germline): Conflicting classifications of pathogenicity. Review status: criteria provided, conflicting classifications (1 of 4 stars). 2 submissions from 2 submitters: Uncertain significance (1); Likely benign (1). Last evaluated 2023-03-23.

Conditions:
Hereditary cancer-predisposing syndrome. Also called: Neoplastic Syndromes, Hereditary; Tumor predisposition; Hereditary Cancer Syndrome; Hereditary neoplastic syndrome. Identifiers: Orphanet 140162, MedGen C0027672, MeSH D009386, MONDO:0015356.

Submissions (2):

University of Washington Department of Laboratory Medicine, University of Washington
Classification: Likely benign for Hereditary cancer-predisposing syndrome. Last evaluated: 2023-03-23. Review status: criteria provided, single submitter. Criteria: Dines et al. (Genet Med. 2020). Collection method: curation. Allele origin: germline.
Comment: Missense variant in a coldspot region where missense variants are very unlikely to be pathogenic (PMID:31911673).

BRCA2 exon 11 coldspot. Reclassification based on statistical prior probability.

Ambry Genetics
Classification: Uncertain significance for Hereditary cancer-predisposing syndrome. Last evaluated: 2019-08-05. Review status: criteria provided, single submitter. Criteria: Ambry Variant Classification Scheme 2023. Collection method: clinical testing. Allele origin: germline.
Comment: The p.T751S variant (also known as c.2252C>G), located in coding exon 10 of the BRCA2 gene, results from a C to G substitution at nucleotide position 2252. The threonine at codon 751 is replaced by serine, an amino acid with similar properties. This amino acid position is poorly conserved in available vertebrate species. In addition, this alteration is predicted to be tolerated by in silico analysis. Since supporting evidence is limited at this time, the clinical significance of this alteration remains unclear.

NM_000059.4(BRCA2):c.2252C>G (p.Thr751Ser)

Gene: BRCA2 (BRCA2 DNA repair associated; plus strand). Cytogenetic location: 13q13.1.
Variant type: single nucleotide variant.
Coding change: c.2252C>G on transcript NM_000059.4 (MANE Select); coding-DNA position 2252, C replaced by G.
Protein change: p.Thr751Ser; replaces threonine 751 with serine.
Molecular consequence: missense variant.
Genome position (GRCh38, 1-based): chr13:32,336,607, C>G. VCF-style: chr13-32336607-C-G. GRCh37 (hg19) VCF-style: chr13-32910744-C-G.
Other names: short protein forms T751S.
Identifiers: ClinVar variation 820970 (VCV000820970.6), dbSNP rs398122743, ClinGen allele CA387770909.